The following is an entry in ClinVar:

ClinVar aggregate classification (germline): Uncertain significance (1 of 4 stars; one submission).

Submission:

Ambry Genetics
Classification: Uncertain significance. Last evaluated: 2025-06-28. Review status: criteria provided, single submitter. Criteria: Ambry Variant Classification Scheme 2023. Collection method: clinical testing. Allele origin: germline.
Comment: The p.T971A variant (also known as c.2911A>G), located in coding exon 10 of the CDK12 gene, results from an A to G substitution at nucleotide position 2911. The threonine at codon 971 is replaced by alanine, an amino acid with similar properties. This amino acid position is conserved. In addition, this alteration is predicted to be tolerated by in silico analysis. Based on the available evidence, the clinical significance of this variant remains unclear.

NM_016507.4(CDK12):c.2911A>G (p.Thr971Ala)

Gene: CDK12 (cyclin dependent kinase 12; plus strand). Cytogenetic location: 17q12.
Variant type: single nucleotide variant.
Coding change: c.2911A>G on transcript NM_016507.4 (MANE Select); coding-DNA position 2911, A replaced by G.
Protein change: p.Thr971Ala; replaces threonine 971 with alanine.
Molecular consequence: missense variant.
Genome position (GRCh38, 1-based): chr17:39,517,504, A>G. VCF-style: chr17-39517504-A-G. GRCh37 (hg19) VCF-style: chr17-37673757-A-G.
Other names: c.2911A>G, p.Thr971Ala (NM_015083.4); short protein forms T971A.
Identifiers: ClinVar variation 4224237 (VCV004224237.1).
Genomic context (GRCh38, chr17:39,517,504, plus strand): 5'-CTTTGTGGTAGCCCTTGTCCAGCTGTGTGGCCTGATGTTATCAAACTGCCCTACTTCAAC[A>G]CCATGAAACCGAAGAAGCAATATCGAAGGCGTCTACGAGAAGAATTCTCTTTGTGAGTTT-3'
Protein context (NP_057591.2, residues 961-981): PDVIKLPYFN[Thr971Ala]MKPKKQYRRR